The following is an entry in ClinVar:

ClinVar aggregate classification (germline): Uncertain significance (1 of 4 stars; one submission).

Conditions:
Multiple acyl-CoA dehydrogenase deficiency (MADD). Also called: Glutaric acidemia type II; GA 2; Glutaric Acidemia type 2; Glutaric aciduria, type 2; ETHYLMALONIC-ADIPICACIDURIA; GA II. Identifiers: Orphanet 26791, MedGen C0268596, MONDO:0009282, OMIM 231680.

Allele frequency attached by ClinVar (database versions not stated): gnomAD exomes below 0.00001; gnomAD 0.00001; TOPMed 0.00001.
gnomAD v4.1: 4 of 1,610,988 alleles (0.00025%); highest among the groups gnomAD compares: African/African-American, 0.004%; no homozygotes.

Submission:

Labcorp Genetics (formerly Invitae), Labcorp
Classification: Uncertain significance for Multiple acyl-CoA dehydrogenase deficiency. Last evaluated: 2023-07-17. Review status: criteria provided, single submitter. Criteria: Invitae Variant Classification Sherloc (09022015). Collection method: clinical testing. Allele origin: germline.
Comment: Advanced modeling of protein sequence and biophysical properties (such as structural, functional, and spatial information, amino acid conservation, physicochemical variation, residue mobility, and thermodynamic stability) performed at Invitae indicates that this missense variant is expected to disrupt ETFA protein function. In summary, the available evidence is currently insufficient to determine the role of this variant in disease. Therefore, it has been classified as a Variant of Uncertain Significance. This sequence change replaces alanine, which is neutral and non-polar, with valine, which is neutral and non-polar, at codon 311 of the ETFA protein (p.Ala311Val). ClinVar contains an entry for this variant (Variation ID: 1378921). This variant has not been reported in the literature in individuals affected with ETFA-related conditions. This variant is present in population databases (no rsID available, gnomAD 0.004%).

NM_000126.4(ETFA):c.932C>T (p.Ala311Val)

Gene: ETFA (electron transfer flavoprotein subunit alpha; minus strand). Cytogenetic location: 15q24.2.
Variant type: single nucleotide variant.
Coding change: c.932C>T on transcript NM_000126.4 (MANE Select); coding-DNA position 932, C replaced by T.
Protein change: p.Ala311Val; replaces alanine 311 with valine.
Molecular consequence: missense variant.
Genome position (GRCh38, 1-based): chr15:76,225,880, G>A on the plus strand (C>T on the coding strand, the complement: ETFA is on the minus strand). VCF-style: chr15-76225880-G-A. GRCh37 (hg19) VCF-style: chr15-76518221-G-A.
Other names: c.785C>T, p.Ala262Val (NM_001127716.2); short protein forms A311V, A262V.
Identifiers: ClinVar variation 1378921 (VCV001378921.8), dbSNP rs1263820606, ClinGen allele CA393513871.